The following is an entry in ClinVar:

ClinVar aggregate classification (germline): Uncertain significance (1 of 4 stars; one submission).

Conditions:
Alpha-methylacyl-CoA racemase deficiency (AMACRD). Also called: AMACR deficiency. Identifiers: Orphanet 79095, MedGen C3280428, MONDO:0013681, OMIM 614307. Disease mechanism: loss of function.

Submission:

Labcorp Genetics (formerly Invitae), Labcorp
Classification: Uncertain significance for Alpha-methylacyl-CoA racemase deficiency. Last evaluated: 2022-09-02. Review status: criteria provided, single submitter. Criteria: Invitae Variant Classification Sherloc (09022015). Collection method: clinical testing. Allele origin: germline.
Comment: This sequence change creates a premature translational stop signal (p.Glu348Argfs*4) in the AMACR gene. While this is not anticipated to result in nonsense mediated decay, it is expected to disrupt the last 35 amino acid(s) of the AMACR protein. This variant is present in population databases (no rsID available, gnomAD 0.0009%). This variant has not been reported in the literature in individuals affected with AMACR-related conditions. ClinVar contains an entry for this variant (Variation ID: 1379901). Experimental studies and prediction algorithms are not available or were not evaluated, and the functional significance of this variant is currently unknown. In summary, the available evidence is currently insufficient to determine the role of this variant in disease. Therefore, it has been classified as a Variant of Uncertain Significance.

NM_014324.6(AMACR):c.1040dup (p.Glu348fs)

Genes: C1QTNF3-AMACR (C1QTNF3-AMACR readthrough (NMD candidate); minus strand), AMACR (alpha-methylacyl-CoA racemase; minus strand). Cytogenetic location: 5p13.2.
Variant type: Duplication.
Coding change: c.1040dup on transcript NM_014324.6 (MANE Select); coding-DNA position 1040, one base duplicated (G; older notation c.1040dupG).
Protein change: p.Glu348fs; shifts the reading frame from glutamic acid 348.
Molecular consequence: frameshift variant. On other transcripts: non-coding transcript variant (1), 3 prime UTR variant (1).
Genome position (GRCh38, 1-based): chr5:33,989,202, C duplicated on the plus strand (G on the coding strand, the reverse complement: AMACR is on the minus strand); the first of 2 consecutive C bases (chr5:33,989,202-33,989,203); duplicating either gives the same sequence. VCF-style (leftmost placement, unchanged base first): chr5-33989201-T-TC. GRCh37 (hg19) VCF-style: chr5-33989306-T-TC.
Other names: c.1040dup, p.Glu348fs (NM_001167595.2); c.*282dup (NM_203382.3); short protein forms E348fs.
Identifiers: ClinVar variation 1379901 (VCV001379901.6), dbSNP rs1255254263, ClinGen allele CA559293857.